The following is an entry in ClinVar:

NM_002519.3(NPAT):c.2696C>G (p.Ala899Gly)

Gene: NPAT (nuclear protein, coactivator of histone transcription; minus strand). Cytogenetic location: 11q22.3.
Variant type: single nucleotide variant.
Coding change: c.2696C>G on transcript NM_002519.3 (MANE Select); coding-DNA position 2696, C replaced by G.
Protein change: p.Ala899Gly; replaces alanine 899 with glycine.
Molecular consequence: missense variant.
Genome position (GRCh38, 1-based): chr11:108,172,288, G>C on the plus strand (C>G on the coding strand, the complement: NPAT is on the minus strand). VCF-style: chr11-108172288-G-C. GRCh37 (hg19) VCF-style: chr11-108043015-G-C.
Other names: c.2696C>G, p.Ala899Gly (NM_001321307.1); short protein forms A899G.
Identifiers: ClinVar variation 1794849 (VCV001794849.2), dbSNP rs2496716297, ClinGen allele CA382512428.

ClinVar aggregate classification (germline): Uncertain significance (1 of 4 stars; one submission).

gnomAD v4.1: 1 of 1,614,098 alleles (0.000062%); highest among the groups gnomAD compares: Non-Finnish European, 0.000085%; no homozygotes.

Submission:

Ambry Genetics
Classification: Uncertain significance. Last evaluated: 2022-06-14. Review status: criteria provided, single submitter. Criteria: Ambry Variant Classification Scheme 2023. Collection method: clinical testing. Allele origin: germline.
Comment: The p.A899G variant (also known as c.2696C>G), located in coding exon 13 of the NPAT gene, results from a C to G substitution at nucleotide position 2696. The alanine at codon 899 is replaced by glycine, an amino acid with similar properties. This amino acid position is conserved. In addition, this alteration is predicted to be tolerated by in silico analysis. Since supporting evidence is limited at this time, the clinical significance of this alteration remains unclear.